The following is an entry in ClinVar:

NM_006767.4(LZTR1):c.1785+4T>G

Gene: LZTR1 (leucine zipper like post translational regulator 1; plus strand). Cytogenetic location: 22q11.21.
Variant type: single nucleotide variant.
Coding change: c.1785+4T>G on transcript NM_006767.4 (MANE Select); 4 bases into the intron after coding-DNA position 1785, T replaced by G.
Molecular consequence: intron variant.
Genome position (GRCh38, 1-based): chr22:20,994,731, T>G. VCF-style: chr22-20994731-T-G. GRCh37 (hg19) VCF-style: chr22-21349020-T-G.
Identifiers: ClinVar variation 1483943 (VCV001483943.11), dbSNP rs1924762620, ClinGen allele CA2396642356.

ClinVar aggregate classification (germline): Uncertain significance. Review status: criteria provided, multiple submitters, no conflicts (2 of 4 stars). 4 submissions from 4 submitters: Uncertain significance (3). 1 of the submissions does not count toward it. Last evaluated 2026-10-01.

Conditions:
LZTR1-related disorder. Also called: LZTR1-related disorders; LZTR1-related condition.
Hereditary cancer-predisposing syndrome. Also called: Hereditary Cancer Syndrome; Hereditary neoplastic syndrome; Tumor predisposition; Neoplastic Syndromes, Hereditary. Identifiers: Orphanet 140162, MedGen C0027672, MeSH D009386, MONDO:0015356.
Cardiovascular phenotype. Identifiers: MedGen CN230736.
Noonan syndrome 10 (NS10). Identifiers: Orphanet 648, MedGen C4225280, MONDO:0014693, OMIM 616564.

Allele frequency attached by ClinVar (database versions not stated): TOPMed below 0.00001.
gnomAD v4.1: 3 of 1,610,704 alleles (0.00019%); no homozygotes.

Submissions (4):

St. Jude Molecular Pathology, St. Jude Children's Research Hospital
Classification: Uncertain significance for Noonan syndrome 10. Last evaluated: 2026-10-01. Review status: criteria provided, single submitter. Criteria: St. Jude Assertion Criteria 2020. Collection method: clinical testing. Allele origin: germline.
Comment: The LZTR1 c.1785+4T>G intronic change resu lts in a T to G substitution at the +4 position of intron 15 of the LZTR1 gene. Algorithms that predict the impact of sequence changes on splicing are inconclusive. This variant is absent in gnomAD v2.1.1. To our know ledge, this variant has not been reported in individuals with Noonan syndrome or schwannomatosis. In summary, the evidence currently available is insufficient to determine the clinical significance of this variant. It has therefore been classified as of uncertain significance.

Labcorp Genetics (formerly Invitae), Labcorp
Classification: Uncertain significance. Last evaluated: 2026-02-02. Review status: criteria provided, single submitter. Criteria: Invitae Variant Classification Sherloc (09022015). Collection method: clinical testing. Allele origin: germline.
Comment: This sequence change falls in intron 15 of the LZTR1 gene. It does not directly change the encoded amino acid sequence of the LZTR1 protein. It affects a nucleotide within the consensus splice site. This variant is not present in population databases (gnomAD no frequency). This variant has not been reported in the literature in individuals affected with LZTR1-related conditions. ClinVar contains an entry for this variant (Variation ID: 1483943). Variants that disrupt the consensus splice site are a relatively common cause of aberrant splicing (PMID: 17576681, 9536098). Algorithms developed to predict the effect of sequence changes on RNA splicing suggest that this variant is not likely to affect RNA splicing. In summary, the available evidence is currently insufficient to determine the role of this variant in disease. Therefore, it has been classified as a Variant of Uncertain Significance.

Ambry Genetics
Classification: Uncertain significance for Cardiovascular phenotype; Hereditary cancer-predisposing syndrome. Last evaluated: 2023-12-09. Review status: criteria provided, single submitter. Criteria: Ambry Variant Classification Scheme 2023. Collection method: clinical testing. Allele origin: germline.
Comment: The c.1785+4T>G intronic variant results from a T to G substitution 4 nucleotides after coding exon 15 in the LZTR1 gene. This nucleotide position is poorly conserved in available vertebrate species. In silico splice site analysis predicts that this alteration will not have any significant effect on splicing. Since supporting evidence is limited at this time, the clinical significance of this alteration remains unclear.

PreventionGenetics, part of Exact Sciences
Classification: Likely benign for LZTR1-related condition. Last evaluated: 2020-11-06. Review status: no assertion criteria provided. Collection method: clinical testing. Allele origin: germline. Not counted in ClinVar's aggregate classification.
Comment: This variant is classified as likely benign based on ACMG/AMP sequence variant interpretation guidelines (Richards et al. 2015 PMID: 25741868, with internal and published modifications).

Literature cited by the submitters: PubMed 17576681 (cited by Labcorp Genetics (formerly Invitae), Labcorp); PubMed 9536098 (cited by Labcorp Genetics (formerly Invitae), Labcorp).